The following is an entry in ClinVar:

ClinVar aggregate classification (germline): Uncertain significance (1 of 4 stars; one submission).

Conditions:
Osteogenesis imperfecta type I (OI1). Also called: Lobstein's Disease; Classic Non-deforming Osteogenesis Imperfecta with Blue Sclerae; Lobstein disease; OI, TYPE I; OSTEOGENESIS IMPERFECTA TARDA; OSTEOGENESIS IMPERFECTA WITH BLUE SCLERAE. Identifiers: Orphanet 216796, Orphanet 666, MedGen C0023931, MONDO:0008146, OMIM 166200. Disease mechanism: loss of function.

Allele frequency attached by ClinVar (database versions not stated): gnomAD exomes below 0.00001; ExAC 0.00001; TOPMed 0.00001.

Submission:

Labcorp Genetics (formerly Invitae), Labcorp
Classification: Uncertain significance for Osteogenesis imperfecta type I. Last evaluated: 2023-06-03. Review status: criteria provided, single submitter. Criteria: Invitae Variant Classification Sherloc (09022015). Collection method: clinical testing. Allele origin: germline.
Comment: This variant has not been reported in the literature in individuals affected with COL1A1-related conditions. The frequency data for this variant in the population databases is considered unreliable, as metrics indicate poor data quality at this position in the gnomAD database. This sequence change replaces arginine, which is basic and polar, with tryptophan, which is neutral and slightly polar, at codon 8 of the COL1A1 protein (p.Arg8Trp). In summary, the available evidence is currently insufficient to determine the role of this variant in disease. Therefore, it has been classified as a Variant of Uncertain Significance. Advanced modeling of protein sequence and biophysical properties (such as structural, functional, and spatial information, amino acid conservation, physicochemical variation, residue mobility, and thermodynamic stability) has been performed at Invitae for this missense variant, however the output from this modeling did not meet the statistical confidence thresholds required to predict the impact of this variant on COL1A1 protein function.

NM_000088.4(COL1A1):c.22C>T (p.Arg8Trp)

Gene: COL1A1 (collagen type I alpha 1 chain; minus strand). Cytogenetic location: 17q21.33.
Variant type: single nucleotide variant.
Coding change: c.22C>T on transcript NM_000088.4 (MANE Select); coding-DNA position 22, C replaced by T.
Protein change: p.Arg8Trp; replaces arginine 8 with tryptophan.
Molecular consequence: missense variant.
Genome position (GRCh38, 1-based): chr17:50,201,492, G>A on the plus strand (C>T on the coding strand, the complement: COL1A1 is on the minus strand). VCF-style: chr17-50201492-G-A. GRCh37 (hg19) VCF-style: chr17-48278853-G-A.
Other names: short protein forms R8W.
Identifiers: ClinVar variation 2723397 (VCV002723397.3), dbSNP rs775349207, ClinGen allele CA8645892.
Genomic context (GRCh38, chr17:50,201,492, plus strand): 5'-CTTGGCCTTCCTCTTGGCCGTGCGTCAGGAGGGCGGTGGCCGCTAAGAGGAGCAGGAGCC[G>A]GAGGTCCACAAAGCTGAACATGTCTAGACCCTAGACATGTAGACTCTTTGTGGCTGGGGA-3'
Protein context (NP_000079.2, residues 1-18): MFSFVDL[Arg8Trp]LLLLLAATAL